The following is an entry in ClinVar:

ClinVar aggregate classification (germline): Uncertain significance (1 of 4 stars; one submission).

Conditions:
Neurofibromatosis, type 1 (NF1). Also called: Peripheral type neurofibromatosis; NEUROFIBROMATOSIS, TYPE I, SOMATIC; Neurofibromatosis, type I; VON RECKLINGHAUSEN DISEASE. Identifiers: Orphanet 636, MedGen C0027831, MONDO:0018975, OMIM 162200. Disease mechanism: loss of function.

Allele frequency attached by ClinVar (database versions not stated): ExAC 0.00001; gnomAD 0.00001.
gnomAD v4.1: 1 of 1,613,368 alleles (0.000062%); highest among the groups gnomAD compares: Non-Finnish European, 0.000085%; no homozygotes.

Submission:

Labcorp Genetics (formerly Invitae), Labcorp
Classification: Uncertain significance for Neurofibromatosis, type 1. Last evaluated: 2022-04-29. Review status: criteria provided, single submitter. Criteria: Invitae Variant Classification Sherloc (09022015). Collection method: clinical testing. Allele origin: germline.
Comment: Algorithms developed to predict the effect of missense changes on protein structure and function are either unavailable or do not agree on the potential impact of this missense change (SIFT: "Deleterious"; PolyPhen-2: "Probably Damaging"; Align-GVGD: "Class C0"). In summary, the available evidence is currently insufficient to determine the role of this variant in disease. Therefore, it has been classified as a Variant of Uncertain Significance. This variant has not been reported in the literature in individuals affected with NF1-related conditions. This variant is not present in population databases (gnomAD no frequency). This sequence change replaces phenylalanine, which is neutral and non-polar, with leucine, which is neutral and non-polar, at codon 2697 of the NF1 protein (p.Phe2697Leu).

NM_001042492.3(NF1):c.8152T>C (p.Phe2718Leu)

Gene: NF1 (neurofibromin 1; plus strand). Cytogenetic location: 17q11.2.
Variant type: single nucleotide variant.
Coding change: c.8152T>C on transcript NM_001042492.3 (MANE Select); coding-DNA position 8152, T replaced by C.
Protein change: p.Phe2718Leu; replaces phenylalanine 2718 with leucine.
Molecular consequence: missense variant.
Genome position (GRCh38, 1-based): chr17:31,359,007, T>C. VCF-style: chr17-31359007-T-C. GRCh37 (hg19) VCF-style: chr17-29686025-T-C.
Other names: c.8089T>C, p.Phe2697Leu (NM_000267.4); short protein forms F2697L, F2718L.
Identifiers: ClinVar variation 2131914 (VCV002131914.4), dbSNP rs758370502, ClinGen allele CA8487760.
Genomic context (GRCh38, chr17:31,359,007, plus strand): 5'-AGTAAAATTTGATTTGTTGCAGGTTTTGGTTTTAATGGCTTGTGGCGGTTTGCAGGACCG[T>C]TTTCAAAGGTAAGAAAATATATTTTTCTCTAACTTTTGGCAAAATGAAGGTTTCTGTTCA-3'
Protein context (NP_001035957.1, residues 2708-2728): FNGLWRFAGP[Phe2718Leu]SKQTQIPDYA